The following is an entry in ClinVar:

ClinVar aggregate classification (germline): Likely benign. Review status: criteria provided, multiple submitters, no conflicts (2 of 4 stars). 3 submissions from 3 submitters: Likely benign (2). 1 of the submissions does not count toward it. Last evaluated 2025-03-21.

Conditions:
Congenital contractural arachnodactyly (CCA). Also called: Arthrogryposis, distal, type 9; BEALS SYNDROME; Beals-Hecht syndrome. Identifiers: Orphanet 115, MedGen C0220668, MONDO:0007363, OMIM 121050.
FBN2-related disorder. Also called: FBN2-related condition.

Allele frequency attached by ClinVar (database versions not stated): gnomAD 0.00001; ExAC 0.00002; TOPMed 0.00002.
gnomAD v4.1: 13 of 1,613,444 alleles (0.00081%); highest among the groups gnomAD compares: East Asian, 0.0045%; no homozygotes.

Submissions (3):

Labcorp Genetics (formerly Invitae), Labcorp
Classification: Likely benign for Congenital contractural arachnodactyly. Last evaluated: 2025-03-21. Review status: criteria provided, single submitter. Criteria: Invitae Variant Classification Sherloc (09022015). Collection method: clinical testing. Allele origin: germline.

Blueprint Genetics
Classification: Likely benign. Last evaluated: 2023-03-27. Review status: criteria provided, single submitter. Criteria: ACMG Guidelines, 2015. Collection method: clinical testing. Allele origin: germline.

PreventionGenetics, part of Exact Sciences
Classification: Likely benign for FBN2-related condition. Last evaluated: 2019-09-13. Review status: no assertion criteria provided. Collection method: clinical testing. Allele origin: germline. Not counted in ClinVar's aggregate classification.
Comment: This variant is classified as likely benign based on ACMG/AMP sequence variant interpretation guidelines (Richards et al. 2015 PMID: 25741868, with internal and published modifications).

NM_001999.4(FBN2):c.3472+10G>A

Gene: FBN2 (fibrillin 2; minus strand). Cytogenetic location: 5q23.3.
Variant type: single nucleotide variant.
Coding change: c.3472+10G>A on transcript NM_001999.4 (MANE Select); 10 bases into the intron after coding-DNA position 3472, G replaced by A.
Molecular consequence: intron variant.
Genome position (GRCh38, 1-based): chr5:128,338,923, C>T on the plus strand (G>A on the coding strand, the complement: FBN2 is on the minus strand). VCF-style: chr5-128338923-C-T. GRCh37 (hg19) VCF-style: chr5-127674615-C-T.
Identifiers: ClinVar variation 3052938 (VCV003052938.4), dbSNP rs765953258, ClinGen allele CA3395235.